The following is an entry in ClinVar:

ClinVar aggregate classification (germline): Uncertain significance. Review status: criteria provided, multiple submitters, no conflicts (2 of 4 stars). 3 submissions from 3 submitters: Uncertain significance (3). Last evaluated 2021-08-30.

Conditions:
Achondrogenesis, type IA (ACG1A). Identifiers: Orphanet 932, Orphanet 93299, MedGen C0265273, MONDO:0008701, OMIM 200600.

Allele frequency attached by ClinVar (database versions not stated): ExAC 0.00002; gnomAD exomes 0.00002; gnomAD 0.00003; TOPMed 0.00004; ESP Exome Variant Server 0.00008.
gnomAD v4.1: 31 of 1,614,086 alleles (0.0019%); highest among the groups gnomAD compares: Non-Finnish European, 0.0024%; no homozygotes.

Submissions (3):

Labcorp Genetics (formerly Invitae), Labcorp
Classification: Uncertain significance for Achondrogenesis, type IA. Last evaluated: 2021-08-30. Review status: criteria provided, single submitter. Criteria: Invitae Variant Classification Sherloc (09022015). Collection method: clinical testing. Allele origin: germline.

Illumina Laboratory Services, Illumina
Classification: Uncertain significance for Achondrogenesis, type IA. Last evaluated: 2018-01-12. Review status: criteria provided, single submitter. Criteria: ICSL Variant Classification Criteria 13 December 2019. Collection method: clinical testing. Allele origin: germline.

ARUP Laboratories, Molecular Genetics and Genomics, ARUP Laboratories
Classification: Uncertain significance. Last evaluated: 2017-05-25. Review status: criteria provided, single submitter. Criteria: ARUP Molecular Germline Variant Investigation Process. Collection method: clinical testing. Allele origin: germline.
Comment: The p.Val1291Ile variant has not been reported in the scientific literature or gene specific variant databases nor has it been previously identified in our laboratory. This variant (rs142078341) is listed in the Genome Aggregation Database (gnomAD) browser with an overall allele frequency of 0.003 percent (identified on 7 out of 276,938 chromosomes). The valine 1291 is highly conserved considering 12 species (Alamut version 2.9.0), but Chinese tree shrew has isoleucine at this position suggesting that this amino acid change may be evolutionary tolerated. Additionally, computational programs predict mixed effect of this variant on the protein (SIFT: tolerated, PolyPhen-2: possibly damaging, MutationTaster: disease causing). Based on the available information, the clinical significance of p.Val1291Ile variant cannot be determined with certainty.

NM_004239.4(TRIP11):c.3871G>A (p.Val1291Ile)

Gene: TRIP11 (thyroid hormone receptor interactor 11; minus strand). Cytogenetic location: 14q32.12.
Variant type: single nucleotide variant.
Coding change: c.3871G>A on transcript NM_004239.4 (MANE Select); coding-DNA position 3871, G replaced by A.
Protein change: p.Val1291Ile; replaces valine 1291 with isoleucine.
Molecular consequence: missense variant.
Genome position (GRCh38, 1-based): chr14:92,004,105, C>T on the plus strand (G>A on the coding strand, the complement: TRIP11 is on the minus strand). VCF-style: chr14-92004105-C-T. GRCh37 (hg19) VCF-style: chr14-92470449-C-T.
Other names: c.3868G>A, p.Val1290Ile (NM_001321851.1); short protein forms V1291I, V1290I.
Identifiers: ClinVar variation 440356 (VCV000440356.15), dbSNP rs142078341, ClinGen allele CA7313567.